The following is an entry in ClinVar:

NM_003190.5(TAPBP):c.1041G>C (p.Arg347Ser)

Gene: TAPBP (TAP binding protein; minus strand). Cytogenetic location: 6p21.32.
Variant type: single nucleotide variant.
Coding change: c.1041G>C on transcript NM_003190.5 (MANE Select); coding-DNA position 1041, G replaced by C.
Protein change: p.Arg347Ser; replaces arginine 347 with serine.
Molecular consequence: missense variant.
Genome position (GRCh38, 1-based): chr6:33,304,466, C>G on the plus strand (G>C on the coding strand, the complement: TAPBP is on the minus strand). VCF-style: chr6-33304466-C-G. GRCh37 (hg19) VCF-style: chr6-33272243-C-G.
Other names: c.1041G>C, p.Arg347Ser (NM_172208.3, NM_001410875.1); c.780G>C, p.Arg260Ser (NM_172209.3); short protein forms R260S, R347S.
Identifiers: ClinVar variation 4719774 (VCV004719774.1).

ClinVar aggregate classification (germline): Uncertain significance (1 of 4 stars; one submission).

Conditions:
MHC class I deficiency. Identifiers: Orphanet 34592, MedGen C6024714, MONDO:0011476.

Submission:

Labcorp Genetics (formerly Invitae), Labcorp
Classification: Uncertain significance for MHC class I deficiency 1. Last evaluated: 2025-05-18. Review status: criteria provided, single submitter. Criteria: Invitae Variant Classification Sherloc (09022015). Collection method: clinical testing. Allele origin: germline.
Comment: This sequence change replaces arginine, which is basic and polar, with serine, which is neutral and polar, at codon 347 of the TAPBP protein (p.Arg347Ser). This variant is not present in population databases (gnomAD no frequency). This variant has not been reported in the literature in individuals affected with TAPBP-related conditions. An algorithm developed to predict the effect of missense changes on protein structure and function outputs the following: PolyPhen-2: "Benign". The serine amino acid residue is found in multiple mammalian species, which suggests that this missense change does not adversely affect protein function. In summary, the available evidence is currently insufficient to determine the role of this variant in disease. Therefore, it has been classified as a Variant of Uncertain Significance.